The following is an entry in ClinVar:

NM_006767.4(LZTR1):c.281A>T (p.Asp94Val)

Gene: LZTR1 (leucine zipper like post translational regulator 1; plus strand). Cytogenetic location: 22q11.21.
Variant type: single nucleotide variant.
Coding change: c.281A>T on transcript NM_006767.4 (MANE Select); coding-DNA position 281, A replaced by T.
Protein change: p.Asp94Val; replaces aspartic acid 94 with valine.
Molecular consequence: missense variant.
Genome position (GRCh38, 1-based): chr22:20,985,858, A>T. VCF-style: chr22-20985858-A-T. GRCh37 (hg19) VCF-style: chr22-21340147-A-T.
Other names: short protein forms D94V.
Identifiers: ClinVar variation 1362488 (VCV001362488.8), dbSNP rs2147959777, ClinGen allele CA410778824.
Genomic context (GRCh38, chr22:20,985,858, plus strand): 5'-GTAGACCTGGCTAATGCCACCCTCTCTTCCGGCTGCCTTTCAGGAAGACCATGCTCAATG[A>T]CCTCCTGCGGTTCGATGTGAAAGACTGCTCCTGGTGCAGGTGGGTGGCCCCGTGCTCCAG-3'
Protein context (NP_006758.2, residues 84-104): GGDNGKTMLN[Asp94Val]LLRFDVKDCS

ClinVar aggregate classification (germline): Uncertain significance (1 of 4 stars; one submission).

Submission:

Labcorp Genetics (formerly Invitae), Labcorp
Classification: Uncertain significance. Last evaluated: 2021-06-19. Review status: criteria provided, single submitter. Criteria: Invitae Variant Classification Sherloc (09022015). Collection method: clinical testing. Allele origin: germline.
Comment: This variant has not been reported in the literature in individuals with LZTR1-related conditions. This variant is not present in population databases (ExAC no frequency). This sequence change replaces aspartic acid with valine at codon 94 of the LZTR1 protein (p.Asp94Val). The aspartic acid residue is highly conserved and there is a large physicochemical difference between aspartic acid and valine. Algorithms developed to predict the effect of missense changes on protein structure and function are either unavailable or do not agree on the potential impact of this missense change (SIFT: "Deleterious"; PolyPhen-2: "Probably Damaging"; Align-GVGD: "Class C15"). In summary, the available evidence is currently insufficient to determine the role of this variant in disease. Therefore, it has been classified as a Variant of Uncertain Significance.